The following is an entry in ClinVar:

ClinVar aggregate classification (germline): Uncertain significance (1 of 4 stars; one submission).

Submission:

Women's Health and Genetics/Laboratory Corporation of America, LabCorp
Classification: Uncertain significance. Last evaluated: 2023-08-16. Review status: criteria provided, single submitter. Criteria: LabCorp Variant Classification Summary - May 2015. Collection method: clinical testing. Allele origin: germline.
Comment: Variant summary: EIF3F c.523delA (p.Thr175ArgfsX11) results in a premature termination codon, predicted to cause a truncation of the encoded protein or absence of the protein due to nonsense mediated decay, however current evidence is not sufficient to establish loss-of-function variants in EIF3F as causative of disease. The variant was absent in 251334 control chromosomes. The available data on variant occurrences in the general population are insufficient to allow any conclusion about variant significance. To our knowledge, no occurrence of c.523delA in individuals affected with Intellectual Developmental Disorder, Autosomal Recessive 67 and no experimental evidence demonstrating its impact on protein function have been reported. No submitters have cited clinical-significance assessments for this variant to ClinVar after 2014. Based on the evidence outlined above, the variant was classified as uncertain significance.

NM_003754.3(EIF3F):c.523del (p.Thr175fs)

Gene: EIF3F (eukaryotic translation initiation factor 3 subunit F; plus strand). Cytogenetic location: 11p15.4.
Variant type: Deletion.
Coding change: c.523del on transcript NM_003754.3 (MANE Select); coding-DNA position 523, one base deleted (A; older notation c.523delA).
Protein change: p.Thr175fs; shifts the reading frame from threonine 175.
Molecular consequence: frameshift variant.
Genome position (GRCh38, 1-based): chr11:7,992,894, A deleted. VCF-style (leftmost placement, unchanged base first): chr11-7992893-TA-T. GRCh37 (hg19) VCF-style: chr11-8014440-TA-T.
Other names: short protein forms T175fs.
Identifiers: ClinVar variation 2581166 (VCV002581166.1), dbSNP rs2495442567, ClinGen allele CA2582341862.
Genomic context (GRCh38, chr11:7,992,893, plus strand): 5'-TTGATATTGACGCCACATATAGACAGGAGTCCACCACTGTGTTCCATTTCACAGGTACGC[TA>T]CGGGCCATGACATCACAGAGCACTCTGTGCTGATCCACGAGTACTACAGCCGAGAGGCCC-3'